The following is an entry in ClinVar:

NM_000182.5(HADHA):c.2020dup (p.Gln674fs)

Genes: GAREM2 (GRB2 associated regulator of MAPK1 subtype 2; plus strand), HADHA (hydroxyacyl-CoA dehydrogenase trifunctional multienzyme complex subunit alpha; minus strand). Cytogenetic location: 2p23.3.
Variant type: Duplication.
Coding change: c.2020dup on transcript NM_000182.5 (MANE Select); coding-DNA position 2020, one base duplicated (C; older notation c.2020dupC).
Protein change: p.Gln674fs; shifts the reading frame from glutamine 674.
Molecular consequence: frameshift variant.
Genome position (GRCh38, 1-based): chr2:26,191,609, G duplicated on the plus strand (C on the coding strand, the reverse complement: HADHA is on the minus strand); the first of 2 consecutive G bases (chr2:26,191,609-26,191,610); duplicating either gives the same sequence. VCF-style (leftmost placement, unchanged base first): chr2-26191608-T-TG. GRCh37 (hg19) VCF-style: chr2-26414477-T-TG.
Other names: short protein forms Q674fs.
Identifiers: ClinVar variation 2048816 (VCV002048816.6), dbSNP rs868693884, ClinGen allele CA44376884.

ClinVar aggregate classification (germline): Pathogenic/Likely pathogenic. Review status: criteria provided, multiple submitters, no conflicts (2 of 4 stars). 3 submissions from 3 submitters: Pathogenic (1); Likely pathogenic (2). Last evaluated 2024-04-09.

Conditions:
Long chain 3-hydroxyacyl-CoA dehydrogenase deficiency. Also called: LCHAD Deficiency; Deficiency of long-chain 3-hydroxyacyl-coenzyme A dehydrogenase. Identifiers: Orphanet 5, MedGen C3711645, MONDO:0012173, OMIM 609016.
Mitochondrial trifunctional protein deficiency 1 (MTPD1). Identifiers: MedGen CN376812, MONDO:0958181, OMIM 609015.
Mitochondrial trifunctional protein deficiency. Identifiers: Orphanet 746, MedGen C1969443, MONDO:0012172.

Submissions (3):

Fulgent Genetics
Classification: Likely pathogenic for Mitochondrial trifunctional protein deficiency 1; Long chain 3-hydroxyacyl-CoA dehydrogenase deficiency. Last evaluated: 2024-04-09. Review status: criteria provided, single submitter. Criteria: ACMG Guidelines, 2015. Collection method: clinical testing. Allele origin: germline.

Baylor Genetics
Classification: Likely pathogenic for Long chain 3-hydroxyacyl-CoA dehydrogenase deficiency. Last evaluated: 2023-11-21. Review status: criteria provided, single submitter. Criteria: ACMG Guidelines, 2015. Collection method: clinical testing. Allele origin: unknown.

Labcorp Genetics (formerly Invitae), Labcorp
Classification: Pathogenic for Mitochondrial trifunctional protein deficiency; Long chain 3-hydroxyacyl-CoA dehydrogenase deficiency. Last evaluated: 2022-06-04. Review status: criteria provided, single submitter. Criteria: Invitae Variant Classification Sherloc (09022015). Collection method: clinical testing. Allele origin: germline.
Comment: This variant is not present in population databases (gnomAD no frequency). This sequence change creates a premature translational stop signal (p.Gln674Profs*11) in the HADHA gene. It is expected to result in an absent or disrupted protein product. Loss-of-function variants in HADHA are known to be pathogenic (PMID: 7738175, 21103935, 21549624, 22459206). This variant has not been reported in the literature in individuals affected with HADHA-related conditions. For these reasons, this variant has been classified as Pathogenic.

Literature cited by the submitters: PubMed 7738175 (cited by Labcorp Genetics (formerly Invitae), Labcorp); PubMed 21103935 (cited by Labcorp Genetics (formerly Invitae), Labcorp); PubMed 21549624 (cited by Labcorp Genetics (formerly Invitae), Labcorp); PubMed 22459206 (cited by Labcorp Genetics (formerly Invitae), Labcorp).